The following is an entry in ClinVar:

ClinVar aggregate classification (germline): Uncertain significance (1 of 4 stars; one submission).

Conditions:
Woodhouse-Sakati syndrome. Also called: Hypogonadism, Alopecia, Diabetes Mellitus, Mental Retardation, and Extrapyramidal Syndrome; Hypogonadism, diabetes mellitus, alopecia, mental retardation and electrocardiographic abnormalities; EXTRAPYRAMIDAL DISORDER, PROGRESSIVE, WITH PRIMARY HYPOGONADISM, MENTAL RETARDATION, AND ALOPECIA. Identifiers: Orphanet 3464, MedGen C0342286, MONDO:0009419, OMIM 241080.

Allele frequency attached by ClinVar (database versions not stated): TOPMed below 0.00001; ExAC 0.00001; gnomAD 0.00001; 1000 Genomes Project 30x 0.00016.
gnomAD v4.1: 6 of 1,613,818 alleles (0.00037%); highest among the groups gnomAD compares: South Asian, 0.0011%; no homozygotes.

Submission:

Labcorp Genetics (formerly Invitae), Labcorp
Classification: Uncertain significance for Woodhouse-Sakati syndrome. Last evaluated: 2025-09-02. Review status: criteria provided, single submitter. Criteria: Invitae Variant Classification Sherloc (09022015). Collection method: clinical testing. Allele origin: germline.
Comment: This sequence change replaces tyrosine, which is neutral and polar, with cysteine, which is neutral and slightly polar, at codon 501 of the DCAF17 protein (p.Tyr501Cys). This variant is present in population databases (rs192590459, gnomAD 0.003%). This variant has not been reported in the literature in individuals affected with DCAF17-related conditions. ClinVar contains an entry for this variant (Variation ID: 2173831). Invitae Evidence Modeling of protein sequence and biophysical properties (such as structural, functional, and spatial information, amino acid conservation, physicochemical variation, residue mobility, and thermodynamic stability) indicates that this missense variant is not expected to disrupt DCAF17 protein function with a negative predictive value of 80%. In summary, the available evidence is currently insufficient to determine the role of this variant in disease. Therefore, it has been classified as a Variant of Uncertain Significance.

NM_025000.4(DCAF17):c.1502A>G (p.Tyr501Cys)

Gene: DCAF17 (DDB1 and CUL4 associated factor 17; plus strand). Cytogenetic location: 2q31.1.
Variant type: single nucleotide variant.
Coding change: c.1502A>G on transcript NM_025000.4 (MANE Select); coding-DNA position 1502, A replaced by G.
Protein change: p.Tyr501Cys; replaces tyrosine 501 with cysteine.
Molecular consequence: missense variant. On other transcripts: non-coding transcript variant (1).
Genome position (GRCh38, 1-based): chr2:171,481,053, A>G. VCF-style: chr2-171481053-A-G. GRCh37 (hg19) VCF-style: chr2-172337563-A-G.
Other names: c.1301A>G, p.Tyr434Cys (NM_001164821.2); short protein forms Y434C, Y501C.
Identifiers: ClinVar variation 2173831 (VCV002173831.4), dbSNP rs192590459, ClinGen allele CA1964988.